The following is an entry in ClinVar:

NM_206933.4(USH2A):c.11815_11817dup (p.Glu3939dup)

Gene: USH2A (usherin; minus strand). Cytogenetic location: 1q41.
Variant type: Duplication.
Coding change: c.11815_11817dup on transcript NM_206933.4 (MANE Select); coding-DNA positions 11815 to 11817, 3 bases duplicated (GAA; older notation c.11815_11817dupGAA).
Protein change: p.Glu3939dup; duplicates glutamic acid 3939.
Molecular consequence: inframe insertion.
Genome position (GRCh38, 1-based): chr1:215,728,279-215,728,281, TTC duplicated on the plus strand (GAA on the coding strand, the reverse complement: USH2A is on the minus strand). VCF-style (leftmost placement, unchanged base first): chr1-215728278-A-ATTC. GRCh37 (hg19) VCF-style: chr1-215901620-A-ATTC.
Identifiers: ClinVar variation 1065746 (VCV001065746.1), dbSNP rs2102713686, ClinGen allele CA2499214463.

ClinVar aggregate classification (germline): Uncertain significance (1 of 4 stars; one submission).

Conditions:
Retinitis pigmentosa 39 (RP39). Identifiers: Orphanet 791, MedGen C3151138, MONDO:0013436, OMIM 613809.

Submission:

Ocular Genomics Institute, Massachusetts Eye and Ear
Classification: Uncertain significance for Retinitis pigmentosa 39. Last evaluated: 2021-04-08. Review status: criteria provided, single submitter. Criteria: ACMG Guidelines, 2015. Collection method: research. Allele origin: germline. Affected: yes.
Comment: Through a review of available evidence we were able to apply the following criteria: PM2. Based on this evidence we have classified this variant as Variant of Uncertain Significance.